The following is an entry in ClinVar:

ClinVar aggregate classification (germline): Conflicting classifications of pathogenicity. Review status: criteria provided, conflicting classifications (1 of 4 stars). 6 submissions from 6 submitters: Uncertain significance (1); Benign (4); Likely benign (1). Last evaluated 2026-02-04.

Conditions:
Nemaline myopathy 2 (NEM2). Also called: Nemaline myopathy 2, autosomal recessive. Identifiers: MedGen C1850569, MONDO:0009725, OMIM 256030.

Submissions (6):

Labcorp Genetics (formerly Invitae), Labcorp
Classification: Likely benign for Nemaline myopathy 2. Last evaluated: 2026-02-04. Review status: criteria provided, single submitter. Criteria: Invitae Variant Classification Sherloc (09022015). Collection method: clinical testing. Allele origin: germline.

Athena Diagnostics
Classification: Benign. Last evaluated: 2025-05-09. Review status: criteria provided, single submitter. Criteria: Athena Diagnostics Criteria. Collection method: clinical testing. Allele origin: unknown.
Comment: The frequency of this variant in the general population is higher than would generally be expected for pathogenic variants in this gene.

Mayo Clinic Laboratories, Mayo Clinic
Classification: Uncertain significance. Last evaluated: 2023-05-16. Review status: criteria provided, single submitter. Criteria: ACMG Guidelines, 2015. Collection method: clinical testing. Allele origin: germline. Observed: 1 variant allele.

Women's Health and Genetics/Laboratory Corporation of America, LabCorp
Classification: Benign. Last evaluated: 2017-04-24. Review status: criteria provided, single submitter. Criteria: LabCorp Variant Classification Summary - May 2015. Collection method: clinical testing. Allele origin: germline.
Comment: Variant summary: The NEB c.19285_19286delinsAA (p.Ala6429delinsAsn) variant causes a missense change involving the alteration of a conserved nucleotide. One in silico tool predicts a damaging outcome for this variant. This variant was found in 570/100068 control chromosomes at a frequency of 0.0056961, which is approximately 2 times the estimated maximal expected allele frequency of a pathogenic NEB variant (0.0035355), suggesting this variant is likely a benign polymorphism. In addition, one clinical diagnostic laboratory classified this variant as benign. The variant of interest has not, to our knowledge, been reported in affected individuals via publications and/or reputable databases; nor evaluated for functional impact by in vivo/vitro studies. Taken together, this variant is classified as benign.

GeneDx
Classification: Benign. Last evaluated: 2017-02-06. Review status: criteria provided, single submitter. Criteria: GeneDx Variant Classification Process June 2021. Collection method: clinical testing. Allele origin: germline. Affected: yes.

Eurofins Ntd Llc (ga)
Classification: Benign. Last evaluated: 2015-02-16. Review status: criteria provided, single submitter. Criteria: EGL Classification Definitions 2015. Collection method: clinical testing. Allele origin: germline. Observed: 1 variant allele, 1 heterozygote.

Literature cited by the submitters: PubMed 37273706 (cited by Athena Diagnostics).

NM_001164508.2(NEB):c.19285_19286delinsAA (p.Ala6429Asn)

Gene: NEB (nebulin; minus strand). Cytogenetic location: 2q23.3.
Variant type: Indel.
Coding change: c.19285_19286delinsAA on transcript NM_001164508.2 (MANE Select); coding-DNA positions 19285 to 19286, GC replaced by AA.
Protein change: p.Ala6429Asn; replaces alanine 6429 with asparagine.
Molecular consequence: missense variant.
Genome position (GRCh38, 1-based): chr2:151,560,620-151,560,621, GC replaced by TT on the plus strand (GC replaced by AA on the coding strand, the reverse complement: NEB is on the minus strand). VCF-style: chr2-151560620-GC-TT. GRCh37 (hg19) VCF-style: chr2-152417134-GC-TT.
Other names: p.Ala6429Asn; c.19285_19286delinsAA, p.Ala6429Asn (NM_001164507.2, NM_001271208.2); c.14182_14183delinsAA, p.Ala4728Asn (NM_004543.5); short protein forms A6429N, A4728N.
Identifiers: ClinVar variation 199243 (VCV000199243.20), dbSNP rs796065338, ClinGen allele CA203819.